The following is an entry in ClinVar:

NM_000203.5(IDUA):c.1109A>G (p.Gln370Arg)

Gene: IDUA (alpha-L-iduronidase; plus strand). Cytogenetic location: 4p16.3.
Variant type: single nucleotide variant.
Coding change: c.1109A>G on transcript NM_000203.5 (MANE Select); coding-DNA position 1109, A replaced by G.
Protein change: p.Gln370Arg; replaces glutamine 370 with arginine.
Molecular consequence: missense variant. On other transcripts: non-coding transcript variant (1).
Genome position (GRCh38, 1-based): chr4:1,002,405, A>G. VCF-style: chr4-1002405-A-G. GRCh37 (hg19) VCF-style: chr4-996193-A-G.
Other names: c.713A>G, p.Gln238Arg (NM_001363576.1); c.1109A>G (NM_000203.3); short protein forms Q238R, Q370R.
Identifiers: ClinVar variation 2414043 (VCV002414043.6), dbSNP rs911374070, ClinGen allele CA91169221.
Genomic context (GRCh38, chr4:1,002,405, plus strand): 5'-ATGCCTTCCTGAGCTACCACCCGCACCCCTTCGCGCAGCGCACGCTCACCGCGCGCTTCC[A>G]GGTCAACAACACCCGCCCGCCGCACGTGCAGCTGTTGCGCAAGCCGGTGCTCACGGCCAT-3'
Protein context (NP_000194.2, residues 360-380): FAQRTLTARF[Gln370Arg]VNNTRPPHVQ

ClinVar aggregate classification (germline): Uncertain significance. Review status: criteria provided, multiple submitters, no conflicts (2 of 4 stars). 2 submissions from 2 submitters: Uncertain significance (2). Last evaluated 2023-03-07.

Conditions:
Mucopolysaccharidosis type 1. Also called: IDUA deficiency; MPS I. Identifiers: Orphanet 579, MedGen C0023786, MONDO:0001586.
Inborn genetic diseases. Identifiers: MedGen C0950123, MeSH D030342.

Submissions (2):

Ambry Genetics
Classification: Uncertain significance for Inborn genetic diseases. Last evaluated: 2023-03-07. Review status: criteria provided, single submitter. Criteria: Ambry Variant Classification Scheme 2023. Collection method: clinical testing. Allele origin: germline.
Comment: The p.Q370R variant (also known as c.1109A>G), located in coding exon 8 of the IDUA gene, results from an A to G substitution at nucleotide position 1109. The glutamine at codon 370 is replaced by arginine, an amino acid with highly similar properties. This amino acid position is conserved. In addition, this alteration is predicted to be deleterious by in silico analysis. Since supporting evidence is limited at this time, the clinical significance of this alteration remains unclear.

Labcorp Genetics (formerly Invitae), Labcorp
Classification: Uncertain significance for Mucopolysaccharidosis type 1. Last evaluated: 2022-07-26. Review status: criteria provided, single submitter. Criteria: Invitae Variant Classification Sherloc (09022015). Collection method: clinical testing. Allele origin: germline.
Comment: This sequence change replaces glutamine, which is neutral and polar, with arginine, which is basic and polar, at codon 370 of the IDUA protein (p.Gln370Arg). This variant is not present in population databases (gnomAD no frequency). This variant has not been reported in the literature in individuals affected with IDUA-related conditions. Advanced modeling of protein sequence and biophysical properties (such as structural, functional, and spatial information, amino acid conservation, physicochemical variation, residue mobility, and thermodynamic stability) performed at Invitae indicates that this missense variant is expected to disrupt IDUA protein function. In summary, the available evidence is currently insufficient to determine the role of this variant in disease. Therefore, it has been classified as a Variant of Uncertain Significance.